The following is an entry in ClinVar:

NM_001080477.4(TENM3):c.1704C>T (p.Ser568=)

Gene: TENM3 (teneurin transmembrane protein 3; plus strand). Cytogenetic location: 4q35.1.
Variant type: single nucleotide variant.
Coding change: c.1704C>T on transcript NM_001080477.4 (MANE Select); coding-DNA position 1704, C replaced by T.
Protein change: p.Ser568=; no amino-acid change (serine 568 retained).
Molecular consequence: synonymous variant.
Genome position (GRCh38, 1-based): chr4:182,680,607, C>T. VCF-style: chr4-182680607-C-T. GRCh37 (hg19) VCF-style: chr4-183601760-C-T.
Other names: c.888C>T, p.Ser296= (NM_001415960.1, NM_001415961.1, NM_001415962.1 and 2 more transcripts); c.1425C>T, p.Ser475= (NM_001415966.1, NM_001415967.1, NM_001415976.1 and 1 more transcripts); c.1704C>T, p.Ser568= (NM_001415968.1, NM_001415969.1, NM_001415970.1 and 4 more transcripts).
Identifiers: ClinVar variation 3042104 (VCV003042104.2), dbSNP rs368286434, ClinGen allele CA3147779.

ClinVar aggregate classification (germline): Likely benign (0 of 4 stars; one submission).

Conditions:
TENM3-related disorder. Also called: TENM3-related condition.

Allele frequency attached by ClinVar (database versions not stated): gnomAD 0.00002; TOPMed 0.00005; ExAC 0.00006; ESP Exome Variant Server 0.00016; 1000 Genomes Project 0.00020; 1000 Genomes Project 30x 0.00031.
gnomAD v4.1: 100 of 1,613,706 alleles (0.0062%); highest among the groups gnomAD compares: Admixed American, 0.0083%; no homozygotes.

Submission:

PreventionGenetics, part of Exact Sciences
Classification: Likely benign for TENM3-related condition. Last evaluated: 2019-05-14. Review status: no assertion criteria provided. Collection method: clinical testing. Allele origin: germline.
Comment: This variant is classified as likely benign based on ACMG/AMP sequence variant interpretation guidelines (Richards et al. 2015 PMID: 25741868, with internal and published modifications).